The following is an entry in ClinVar:

ClinVar aggregate classification (germline): Uncertain significance (1 of 4 stars; one submission).

Submission:

Women's Health and Genetics/Laboratory Corporation of America, LabCorp
Classification: Uncertain significance. Last evaluated: 2022-06-14. Review status: criteria provided, single submitter. Criteria: LabCorp Variant Classification Summary - May 2015. Collection method: clinical testing. Allele origin: germline.
Comment: Variant summary: TTN c.36220C>A (p.Leu12074Ile) results in a conservative amino acid change located in the I-band region of the encoded protein sequence. Three of five in-silico tools predict a damaging effect of the variant on protein function. The variant was absent in 248416 control chromosomes (gnomAD). The available data on variant occurrences in the general population are insufficient to allow any conclusion about variant significance. To our knowledge, no occurrence of c.36220C>A in individuals affected with Limb-Girdle Muscular Dystrophy, Type 2J and no experimental evidence demonstrating its impact on protein function have been reported. No clinical diagnostic laboratories have submitted clinical-significance assessments for this variant to ClinVar after 2014. Based on the evidence outlined above, the variant was classified as uncertain significance.

NM_001267550.2(TTN):c.43924C>A (p.Leu14642Ile)

Gene: TTN (titin; minus strand). Cytogenetic location: 2q31.2.
Variant type: single nucleotide variant.
Coding change: c.43924C>A on transcript NM_001267550.2 (MANE Select); coding-DNA position 43924, C replaced by A.
Protein change: p.Leu14642Ile; replaces leucine 14642 with isoleucine.
Molecular consequence: missense variant.
Genome position (GRCh38, 1-based): chr2:178,631,124, G>T on the plus strand (C>A on the coding strand, the complement: TTN is on the minus strand). VCF-style: chr2-178631124-G-T. GRCh37 (hg19) VCF-style: chr2-179495851-G-T.
Other names: c.39001C>A, p.Leu13001Ile (NM_001256850.1); c.16729C>A, p.Leu5577Ile (NM_003319.4); c.36220C>A, p.Leu12074Ile (NM_133378.4); c.17104C>A, p.Leu5702Ile (NM_133432.3); c.17305C>A, p.Leu5769Ile (NM_133437.4); short protein forms L12074I, L13001I, L14642I, L5577I, L5702I, L5769I.
Identifiers: ClinVar variation 1698561 (VCV001698561.1), dbSNP rs2154220229, ClinGen allele CA349646814.